The following is an entry in ClinVar:

NM_001040108.2(MLH3):c.202A>G (p.Lys68Glu)

Gene: MLH3 (mutL homolog 3; minus strand). Cytogenetic location: 14q24.3.
Variant type: single nucleotide variant.
Coding change: c.202A>G on transcript NM_001040108.2 (MANE Select); coding-DNA position 202, A replaced by G.
Protein change: p.Lys68Glu; replaces lysine 68 with glutamic acid.
Molecular consequence: missense variant.
Genome position (GRCh38, 1-based): chr14:75,049,454, T>C on the plus strand (A>G on the coding strand, the complement: MLH3 is on the minus strand). VCF-style: chr14-75049454-T-C. GRCh37 (hg19) VCF-style: chr14-75516157-T-C.
Other names: c.202A>G, p.Lys68Glu (NM_014381.3); short protein forms K68E.
Identifiers: ClinVar variation 2497054 (VCV002497054.2), dbSNP rs375069317, ClinGen allele CA7276075.

ClinVar aggregate classification (germline): Uncertain significance (1 of 4 stars; one submission).

Allele frequency attached by ClinVar (database versions not stated): ExAC 0.00001; gnomAD 0.00002; TOPMed 0.00003; ESP Exome Variant Server 0.00008.

Submission:

Ambry Genetics
Classification: Uncertain significance. Last evaluated: 2022-12-18. Review status: criteria provided, single submitter. Criteria: Ambry Variant Classification Scheme 2023. Collection method: clinical testing. Allele origin: germline.
Comment: The p.K68E variant (also known as c.202A>G), located in coding exon 1 of the MLH3 gene, results from an A to G substitution at nucleotide position 202. The lysine at codon 68 is replaced by glutamic acid, an amino acid with similar properties. This amino acid position is conserved. In addition, this alteration is predicted to be tolerated by in silico analysis. Since supporting evidence is limited at this time, the clinical significance of this alteration remains unclear.